The following is an entry in ClinVar:

ClinVar aggregate classification (germline): Uncertain significance. Review status: criteria provided, multiple submitters, no conflicts (2 of 4 stars). 4 submissions from 4 submitters: Uncertain significance (4). Last evaluated 2024-09-22.

Conditions:
Inborn genetic diseases. Identifiers: MedGen C0950123, MeSH D030342.
Intellectual developmental disorder, X-linked 99. Also called: Intellectual disability, X-linked 99. Identifiers: Orphanet 777, MedGen C3806746, MONDO:0010487, OMIM 300919.

Allele frequency attached by ClinVar (database versions not stated): ExAC 0.00001; gnomAD exomes 0.00001.

Submissions (4):

Victorian Clinical Genetics Services, Murdoch Childrens Research Institute
Classification: Uncertain significance for Intellectual developmental disorder, X-linked 99. Last evaluated: 2024-09-22. Review status: criteria provided, single submitter. Criteria: ACMG Guidelines, 2015. Collection method: clinical testing. Allele origin: germline. Inheritance: X-linked recessive inheritance. Affected: yes.
Comment: Based on the classification scheme VCGS_Germline_v1.3.4, this variant is classified as VUS-3B. Following criteria are met: 0102 - Loss of function is a known mechanism of disease in this gene and is associated with X-linked intellectual developmental disorder 99 (MIM#300919) and X-linked syndromic female-restricted intellectual developmental disorder 99 (MIM#300968). (I) 0108 - This gene is associated with both X-linked recessive and X-linked dominant disease. Partial loss of function variants are inherited in a X-linked recessive pattern, affecting predominantly males. Complete loss of function variants are inherited in a X-linked dominant pattern and are more severe, affecting only females (PMID: 31443933, PMID: 26833328). (I) 0200 - Variant is predicted to result in a missense amino acid change from isoleucine to valine. (I) 0253 - This variant is hemizygous. (I) 0304 - Variant is present in gnomAD <0.01 (v2: 2 heterozygotes, 0 homozygotes, 0 hemizygotes). (SP) 0503 - Missense variant consistently predicted to be tolerated by multiple in silico tools or not conserved in placental mammals with a minor amino acid change. (SB) 0603 - Missense variant in a region that is highly intolerant to missense variation (high constraint region in DECIPHER). (SP) 0705 - No comparable missense variants have previous evidence for pathogenicity. (I) 0809 - Previous evidence of pathogenicity for this variant is inconclusive. This variant has been reported three times as VUS in ClinVar. (I) 0905 - No published segregation evidence has been identified for this variant. (I) 1007 - No published functional evidence has been identified for this variant. (I) Legend: (SP) - Supporting pathogenic, (I) - Information, (SB) - Supporting benign

Ambry Genetics
Classification: Uncertain significance for Inborn genetic diseases. Last evaluated: 2023-01-10. Review status: criteria provided, single submitter. Criteria: Ambry Variant Classification Scheme 2023. Collection method: clinical testing. Allele origin: germline.

Labcorp Genetics (formerly Invitae), Labcorp
Classification: Uncertain significance. Last evaluated: 2022-11-22. Review status: criteria provided, single submitter. Criteria: Invitae Variant Classification Sherloc (09022015). Collection method: clinical testing. Allele origin: germline.
Comment: In summary, the available evidence is currently insufficient to determine the role of this variant in disease. Therefore, it has been classified as a Variant of Uncertain Significance. Algorithms developed to predict the effect of missense changes on protein structure and function (SIFT, PolyPhen-2, Align-GVGD) all suggest that this variant is likely to be tolerated. ClinVar contains an entry for this variant (Variation ID: 1309627). This variant has not been reported in the literature in individuals affected with USP9X-related conditions. This variant is present in population databases (rs758545508, gnomAD 0.004%). This sequence change replaces isoleucine, which is neutral and non-polar, with valine, which is neutral and non-polar, at codon 1810 of the USP9X protein (p.Ile1810Val).

GeneDx
Classification: Uncertain significance. Last evaluated: 2020-10-15. Review status: criteria provided, single submitter. Criteria: GeneDx Variant Classification Process June 2021. Collection method: clinical testing. Allele origin: germline. Affected: yes.
Comment: In silico analysis, which includes protein predictors and evolutionary conservation, supports that this variant does not alter protein structure/function; Has not been previously published as pathogenic or benign to our knowledge

Literature cited by the submitters: PubMed 26833328 (cited by Victorian Clinical Genetics Services, Murdoch Childrens Research Institute); PubMed 31443933 (cited by Victorian Clinical Genetics Services, Murdoch Childrens Research Institute).

NM_001039591.3(USP9X):c.5428A>G (p.Ile1810Val)

Gene: USP9X (ubiquitin specific peptidase 9 X-linked; plus strand). Cytogenetic location: Xp11.4.
Variant type: single nucleotide variant.
Coding change: c.5428A>G on transcript NM_001039591.3 (MANE Select); coding-DNA position 5428, A replaced by G.
Protein change: p.Ile1810Val; replaces isoleucine 1810 with valine.
Molecular consequence: missense variant.
Genome position (GRCh38, 1-based): chrX:41,215,995, A>G. VCF-style: chrX-41215995-A-G. GRCh37 (hg19) VCF-style: chrX-41075248-A-G.
Other names: c.5428A>G, p.Ile1810Val (NM_001039590.3); c.5428A>G (NM_001039591.2); short protein forms I1810V.
Identifiers: ClinVar variation 1309627 (VCV001309627.9), dbSNP rs758545508, ClinGen allele CA10389001.